The following is an entry in ClinVar:

NM_020911.2(PLXNA4):c.3780T>C (p.Tyr1260=)

Gene: PLXNA4 (plexin A4; minus strand). Cytogenetic location: 7q32.3.
Variant type: single nucleotide variant.
Coding change: c.3780T>C on transcript NM_020911.2 (MANE Select); coding-DNA position 3780, T replaced by C.
Protein change: p.Tyr1260=; no amino-acid change (tyrosine 1260 retained).
Molecular consequence: synonymous variant.
Genome position (GRCh38, 1-based): chr7:132,179,781, A>G on the plus strand (T>C on the coding strand, the complement: PLXNA4 is on the minus strand). VCF-style: chr7-132179781-A-G. GRCh37 (hg19) VCF-style: chr7-131864540-A-G.
Other names: c.3780T>C, p.Tyr1260= (NM_001393897.1).
Identifiers: ClinVar variation 3356826 (VCV003356826.1).

ClinVar aggregate classification (germline): Likely benign (0 of 4 stars; one submission).

Conditions:
PLXNA4-related disorder. Also called: PLXNA4-related condition.

gnomAD v4.1: 2 of 1,614,056 alleles (0.00012%); highest among the groups gnomAD compares: African/African-American, 0.0027%; no homozygotes.

Submission:

PreventionGenetics, part of Exact Sciences
Classification: Likely benign for PLXNA4-related condition. Last evaluated: 2024-01-31. Review status: no assertion criteria provided. Collection method: clinical testing. Allele origin: germline.
Comment: This variant is classified as likely benign based on ACMG/AMP sequence variant interpretation guidelines (Richards et al. 2015 PMID: 25741868, with internal and published modifications).